The following is an entry in ClinVar:

ClinVar aggregate classification (germline): Likely benign. Review status: criteria provided, single submitter (1 of 4 stars). 2 submissions from 2 submitters: Likely benign (1). 1 of the submissions does not count toward it. Last evaluated 2026-01-18.

Conditions:
TAOK2-related disorder. Also called: TAOK2-related condition.

Allele frequency attached by ClinVar (database versions not stated): gnomAD exomes 0.00011 and 0.00017; ExAC 0.00019; 1000 Genomes Project 30x 0.00047; 1000 Genomes Project 0.00060; gnomAD 0.00074 and 0.00082; ESP Exome Variant Server 0.00085; TOPMed 0.00110.
gnomAD v4.1: 274 of 1,613,982 alleles (0.017%); highest among the groups gnomAD compares: African/African-American, 0.33%; no homozygotes.

Submissions (2):

Labcorp Genetics (formerly Invitae), Labcorp
Classification: Likely benign. Last evaluated: 2026-01-18. Review status: criteria provided, single submitter. Criteria: Invitae Variant Classification Sherloc (09022015). Collection method: clinical testing. Allele origin: germline.

PreventionGenetics, part of Exact Sciences
Classification: Likely benign for TAOK2-related condition. Last evaluated: 2022-11-21. Review status: no assertion criteria provided. Collection method: clinical testing. Allele origin: germline. Not counted in ClinVar's aggregate classification.
Comment: This variant is classified as likely benign based on ACMG/AMP sequence variant interpretation guidelines (Richards et al. 2015 PMID: 25741868, with internal and published modifications).

NM_016151.4(TAOK2):c.3488G>A (p.Arg1163Gln)

Gene: TAOK2 (TAO kinase 2; plus strand). Cytogenetic location: 16p11.2.
Variant type: single nucleotide variant.
Coding change: c.3488G>A on transcript NM_016151.4 (MANE Select); coding-DNA position 3488, G replaced by A.
Protein change: p.Arg1163Gln; replaces arginine 1163 with glutamine.
Molecular consequence: missense variant. On other transcripts: intron variant (1).
Genome position (GRCh38, 1-based): chr16:29,987,760, G>A. VCF-style: chr16-29987760-G-A. GRCh37 (hg19) VCF-style: chr16-29999081-G-A.
Other names: c.3149G>A, p.Arg1050Gln (NM_001252043.2); c.2232+1256G>A (NM_004783.4); c.3488G>A (NM_016151.3); short protein forms R1050Q, R1163Q.
Identifiers: ClinVar variation 1552818 (VCV001552818.10), dbSNP rs143930866, ClinGen allele CA7998580.